The following is an entry in ClinVar:

ClinVar aggregate classification (germline): Uncertain significance (1 of 4 stars; one submission).

Conditions:
GNAS-related disorder. Identifiers: MedGen CN380105.

gnomAD v4.1: 4 of 1,610,932 alleles (0.00025%); highest among the groups gnomAD compares: Non-Finnish European, 0.00025%; no homozygotes.

Submission:

PreventionGenetics, part of Exact Sciences
Classification: Uncertain significance for GNAS-related condition. Last evaluated: 2025-05-16. Review status: criteria provided, single submitter. Criteria: ACMG Guidelines, 2015. Collection method: clinical testing. Allele origin: germline.
Comment: The GNAS c.769G>A variant is predicted to result in the amino acid substitution p.Ala257Thr. To our knowledge, this variant has not been reported in the literature or in a large population database (gnomAD), indicating this variant is rare. At this time, the clinical significance of this variant is uncertain due to the absence of conclusive functional and genetic evidence.

NM_080425.4(GNAS):c.769G>A (p.Ala257Thr)

Gene: GNAS (GNAS complex locus; plus strand). Cytogenetic location: 20q13.32.
Variant type: single nucleotide variant.
Coding change: c.769G>A on transcript NM_080425.4 (MANE Plus Clinical); coding-DNA position 769, G replaced by A.
Protein change: p.Ala257Thr; replaces alanine 257 with threonine.
Molecular consequence: missense variant. On other transcripts: intron variant (3), synonymous variant (2).
Genome position (GRCh38, 1-based): chr20:58,854,034, G>A. VCF-style: chr20-58854034-G-A. GRCh37 (hg19) VCF-style: chr20-57429089-G-A.
Other names: c.*42+13148G>A (NM_016592.5); c.43+13148G>A (NM_001410912.1); c.-39+12159G>A (NM_001309861.2); c.582G>A, p.Arg194= (NM_001077490.3, NM_001309883.1); c.769G>A, p.Ala257Thr (NM_001410913.1); short protein forms A257T.
Identifiers: ClinVar variation 4997050 (VCV004997050.1).